The following is an entry in ClinVar:

NM_000383.4(AIRE):c.1096-1G>C

Gene: AIRE (autoimmune regulator; plus strand). Cytogenetic location: 21q22.3.
Variant type: single nucleotide variant.
Coding change: c.1096-1G>C on transcript NM_000383.4 (MANE Select); the canonical splice acceptor site of the intron before coding-DNA position 1096, G replaced by C.
Molecular consequence: splice acceptor variant.
Genome position (GRCh38, 1-based): chr21:44,292,992, G>C. VCF-style: chr21-44292992-G-C. GRCh37 (hg19) VCF-style: chr21-45712875-G-C.
Identifiers: ClinVar variation 4081688 (VCV004081688.1).

ClinVar aggregate classification (germline): Pathogenic (1 of 4 stars; one submission).

Conditions:
Polyglandular autoimmune syndrome, type 1 (APS1). Also called: AUTOIMMUNE POLYENDOCRINE SYNDROME, TYPE I, WITH OR WITHOUT REVERSIBLE METAPHYSEAL DYSPLASIA; Autoimmune polyendocrinopathy syndrome, type I; Autoimmune polyendocrine syndrome type 1; APS I; HYPOADRENOCORTICISM WITH HYPOPARATHYROIDISM AND SUPERFICIAL MONILIASIS; Autoimmune polyendocrinopathy syndrome , type I, with or without reversible metaphyseal dysplasia. Identifiers: Orphanet 3453, MedGen C0085859, MONDO:0009411, OMIM 240300.

Submission:

Myriad Genetics, Inc.
Classification: Pathogenic for Polyglandular autoimmune syndrome, type 1. Last evaluated: 2025-04-30. Review status: criteria provided, single submitter. Criteria: Myriad Autosomal Dominant, Autosomal Recessive and X-Linked Classification Criteria (2023). Collection method: clinical testing. Allele origin: unknown.
Comment: NM_000383.3(AIRE):c.1096-1G>C is a variant in a canonical splice site classified as pathogenic in the context of autoimmune polyglandular syndrome type 1. c.1096-1G>C has been observed in a case with relevant disease (PMID: 12173302). Relevant functional assessments of this variant are not available in the literature. c.1096-1G>C has not been observed in referenced population frequency databases. In summary, NM_000383.3(AIRE):c.1096-1G>C is a variant in a canonical splice site that has been observed more frequently in cases with the relevant disease than in healthy populations. Please note: this variant was assessed in the context of healthy population screening.

Literature cited by the submitters: PubMed 12173302.